The following is an entry in ClinVar:

ClinVar aggregate classification (germline): Uncertain significance (1 of 4 stars; one submission).

Conditions:
Duchenne muscular dystrophy (DMD). Also called: MUSCULAR DYSTROPHY, PSEUDOHYPERTROPHIC PROGRESSIVE, DUCHENNE TYPE; Duchenne Muscular Dystrophy (DMD). Identifiers: Orphanet 98896, MedGen C0013264, MONDO:0010679, OMIM 310200.

Submission:

Labcorp Genetics (formerly Invitae), Labcorp
Classification: Uncertain significance for Duchenne muscular dystrophy. Last evaluated: 2025-12-09. Review status: criteria provided, single submitter. Criteria: Invitae Variant Classification Sherloc (09022015). Collection method: clinical testing. Allele origin: germline.
Comment: This sequence change replaces glutamine, which is neutral and polar, with glutamic acid, which is acidic and polar, at codon 593 of the DMD protein (p.Gln593Glu). This variant is not present in population databases (gnomAD no frequency). This variant has not been reported in the literature in individuals affected with DMD-related conditions. Invitae Evidence Modeling of protein sequence and biophysical properties (such as structural, functional, and spatial information, amino acid conservation, physicochemical variation, residue mobility, and thermodynamic stability) indicates that this missense variant is not expected to disrupt DMD protein function with a negative predictive value of 95%. In summary, the available evidence is currently insufficient to determine the role of this variant in disease. Therefore, it has been classified as a Variant of Uncertain Significance.

NM_004006.3(DMD):c.1777C>G (p.Gln593Glu)

Gene: DMD (dystrophin; minus strand). Cytogenetic location: Xp21.1.
Variant type: single nucleotide variant.
Coding change: c.1777C>G on transcript NM_004006.3 (MANE Select); coding-DNA position 1777, C replaced by G.
Protein change: p.Gln593Glu; replaces glutamine 593 with glutamic acid.
Molecular consequence: missense variant.
Genome position (GRCh38, 1-based): chrX:32,573,565, G>C on the plus strand (C>G on the coding strand, the complement: DMD is on the minus strand). VCF-style: chrX-32573565-G-C. GRCh37 (hg19) VCF-style: chrX-32591682-G-C.
Other names: c.1753C>G, p.Gln585Glu (NM_000109.4); c.1765C>G, p.Gln589Glu (NM_004009.3); c.1408C>G, p.Gln470Glu (NM_004010.3); short protein forms Q589E, Q585E, Q470E, Q593E.
Identifiers: ClinVar variation 4779495 (VCV004779495.1).
Genomic context (GRCh38, chrX:32,573,565, plus strand): 5'-CCATTGAAAGCTAGAAAGTACATACGGCCAGTTTTTGAAGACTTGATAACATTTCATTTT[G>C]ATCTTTAAAGCCAGTTGTGTGAATCTTGTTCACTGCATCTTCTTTTTCTGAAAGCCATGC-3'
Protein context (NP_003997.2, residues 583-603): NKIHTTGFKD[Gln593Glu]NEMLSSLQKL